The following is an entry in ClinVar:

NM_001144967.3(NEDD4L):c.1271G>A (p.Gly424Asp)

Gene: NEDD4L (NEDD4 like E3 ubiquitin protein ligase; plus strand). Cytogenetic location: 18q21.31.
Variant type: single nucleotide variant.
Coding change: c.1271G>A on transcript NM_001144967.3 (MANE Select); coding-DNA position 1271, G replaced by A.
Protein change: p.Gly424Asp; replaces glycine 424 with aspartic acid.
Molecular consequence: missense variant.
Genome position (GRCh38, 1-based): chr18:58,341,691, G>A. VCF-style: chr18-58341691-G-A. GRCh37 (hg19) VCF-style: chr18-56008923-G-A.
Other names: c.908G>A, p.Gly303Asp (NM_001144964.1, NM_001144965.2, NM_001144966.3); c.1247G>A, p.Gly416Asp (NM_001144968.2); c.1187G>A, p.Gly396Asp (NM_001144969.2); c.848G>A, p.Gly283Asp (NM_001144970.3, NM_001144971.2); c.1079G>A, p.Gly360Asp (NM_001243960.2); c.1211G>A, p.Gly404Asp (NM_015277.6); short protein forms G360D, G396D, G424D, G303D, G404D, G283D, G416D.
Identifiers: ClinVar variation 3687407 (VCV003687407.2).

ClinVar aggregate classification (germline): Uncertain significance (1 of 4 stars; one submission).

Submission:

Labcorp Genetics (formerly Invitae), Labcorp
Classification: Uncertain significance. Last evaluated: 2024-10-31. Review status: criteria provided, single submitter. Criteria: Invitae Variant Classification Sherloc (09022015). Collection method: clinical testing. Allele origin: germline.
Comment: This sequence change replaces glycine, which is neutral and non-polar, with aspartic acid, which is acidic and polar, at codon 404 of the NEDD4L protein (p.Gly404Asp). This variant is not present in population databases (gnomAD no frequency). This variant has not been reported in the literature in individuals affected with NEDD4L-related conditions. An algorithm developed to predict the effect of missense changes on protein structure and function (PolyPhen-2) suggests that this variant is likely to be tolerated. In summary, the available evidence is currently insufficient to determine the role of this variant in disease. Therefore, it has been classified as a Variant of Uncertain Significance.